The following is an entry in ClinVar:

ClinVar aggregate classification (germline): Benign. Review status: criteria provided, multiple submitters, no conflicts (2 of 4 stars). 3 submissions from 3 submitters: Benign (3). Last evaluated 2018-06-14.

Allele frequency attached by ClinVar (database versions not stated): gnomAD exomes 0.02122; ExAC 0.02602; gnomAD 0.07826 and 0.08380; 1000 Genomes Project 0.09006; TOPMed 0.09015; ESP Exome Variant Server 0.09042; 1000 Genomes Project 30x 0.09354.
gnomAD v4.1: 24,571 of 1,613,112 alleles (1.5%); highest among the groups gnomAD compares: African/African-American, 27%; 2,817 homozygotes.

Submissions (3):

GeneDx
Classification: Benign. Last evaluated: 2018-06-14. Review status: criteria provided, single submitter. Criteria: GeneDx Variant Classification (06012015). Collection method: clinical testing. Allele origin: germline. Affected: yes.
Comment: This variant is considered likely benign or benign based on one or more of the following criteria: it is a conservative change, it occurs at a poorly conserved position in the protein, it is predicted to be benign by multiple in silico algorithms, and/or has population frequency not consistent with disease.

Breakthrough Genomics
Classification: Benign. Review status: criteria provided, single submitter. Criteria: ACMG Guidelines, 2015. Collection method: not provided. Allele origin: germline. Inheritance: Autosomal recessive inheritance. Affected: yes.

PreventionGenetics, part of Exact Sciences
Classification: Benign. Review status: criteria provided, single submitter. Criteria: ACMG Guidelines, 2015. Collection method: clinical testing. Allele origin: germline.

NM_147127.5(EVC2):c.1886+29G>A

Gene: EVC2 (EvC ciliary complex subunit 2; minus strand). Cytogenetic location: 4p16.2.
Variant type: single nucleotide variant.
Coding change: c.1886+29G>A on transcript NM_147127.5 (MANE Select); 29 bases into the intron after coding-DNA position 1886, G replaced by A.
Molecular consequence: intron variant.
Genome position (GRCh38, 1-based): chr4:5,628,530, C>T on the plus strand (G>A on the coding strand, the complement: EVC2 is on the minus strand). VCF-style: chr4-5628530-C-T. GRCh37 (hg19) VCF-style: chr4-5630257-C-T.
Other names: c.1646+29G>A (NM_001166136.2).
Identifiers: ClinVar variation 262607 (VCV000262607.3), dbSNP rs57185424, ClinGen allele CA2834905.